The following is an entry in ClinVar:

ClinVar aggregate classification (germline): Pathogenic. Review status: criteria provided, multiple submitters, no conflicts (2 of 4 stars). 13 submissions from 12 submitters: Pathogenic (11). 2 of the submissions do not count toward it. Last evaluated 2026-06-01.

Conditions:
COACH syndrome 2. Identifiers: MedGen C5436837, MONDO:0030859, OMIM 619111.
Joubert syndrome 9 (JBTS9). Identifiers: Orphanet 2318, MedGen C2676788, MONDO:0012849, OMIM 612285.
Meckel syndrome, type 6. Identifiers: Orphanet 564, MedGen C2676790, MONDO:0012848, OMIM 612284.
Retinitis pigmentosa 93. Identifiers: MedGen C5676970, MONDO:0030797, OMIM 619845.
CC2D2A-related disorder. Also called: CC2D2A-related disorders; CC2D2A-related condition. Identifiers: MedGen CN239313.
Autosomal recessive CC2D2A-related disorders.
Inborn genetic diseases. Identifiers: MedGen C0950123, MeSH D030342.
Joubert syndrome. Also called: JOUBERT-BOLTSHAUSER SYNDROME; Familial aplasia of the vermis. Identifiers: Orphanet 475, MedGen C5979921, MONDO:0018772.
Meckel-Gruber syndrome. Also called: GRUBER SYNDROME; DYSENCEPHALIA SPLANCHNOCYSTICA; Dysencephalia splachnocystica. Identifiers: Orphanet 564, MedGen C0265215, MONDO:0018921.
Joubert syndrome and related disorders. Identifiers: Orphanet 140874, MedGen C5679612, MONDO:0015369.
Joubert syndrome 9/15, digenic. Identifiers: MedGen C3280898.

Allele frequency attached by ClinVar (database versions not stated): TOPMed 0.00002.
gnomAD v4.1: 33 of 1,612,090 alleles (0.002%); highest among the groups gnomAD compares: Admixed American, 0.015%; no homozygotes.

Submissions (13):

PreventionGenetics, part of Exact Sciences
Classification: Pathogenic for CC2D2A-related condition. Last evaluated: 2026-06-01. Review status: criteria provided, single submitter. Criteria: ACMG Guidelines, 2015. Collection method: clinical testing. Allele origin: germline.
Comment: The CC2D2A c.3145C>T variant is predicted to result in premature protein termination (p.Arg1049*). This variant has been reported in the homozygous and compound heterozygous state in multiple individuals with Meckel and Joubert syndrome (Mougou-Zerelli et al. 2009. PubMed ID: 19777577; Doherty et al 2009. PubMed ID: 19574260; Fleming et al. 2017. PubMed ID: 29146704). Nonsense variants in CC2D2A are expected to be pathogenic. This variant is interpreted as pathogenic.

Labcorp Genetics (formerly Invitae), Labcorp
Classification: Pathogenic for Joubert syndrome; Meckel-Gruber syndrome. Last evaluated: 2025-11-24. Review status: criteria provided, single submitter. Criteria: Invitae Variant Classification Sherloc (09022015). Collection method: clinical testing. Allele origin: germline.
Comment: This sequence change creates a premature translational stop signal (p.Arg1049*) in the CC2D2A gene. It is expected to result in an absent or disrupted protein product. Loss-of-function variants in CC2D2A are known to be pathogenic (PMID: 19777577). This variant is present in population databases (rs386833750, gnomAD 0.02%). This premature translational stop signal has been observed in individuals with Joubert syndrome (PMID: 19574260, 19777577). ClinVar contains an entry for this variant (Variation ID: 747). Algorithms developed to predict the effect of sequence changes on RNA splicing suggest that this variant may disrupt the consensus splice site. For these reasons, this variant has been classified as Pathogenic.

Variantyx, Inc.
Classification: Pathogenic for Autosomal recessive CC2D2A-related disorders. Last evaluated: 2025-05-09. Review status: criteria provided, single submitter. Criteria: Variantyx Assertion Criteria 2022. Collection method: clinical testing. Allele origin: germline. Inheritance: Autosomal recessive inheritance. Affected: yes.
Comment: This is a nonsense variant in the CC2D2A gene (OMIM: 612013). Pathogenic variants in this gene have been associated with autosomal recessive CC2D2A-related disorders. This variant introduces a premature termination codon in exon 24 out of 37 and is expected to result in loss of function, which is a known disease mechanism for CC2D2A in this disorder (PMID: 19777577) (PVS1). It has a 0.0150% maximum allele frequency in non-founder control populations (PM2). Based on the current evidence, this variant is classified as pathogenic for autosomal recessive CC2D2A-related disorders.

Ambry Genetics
Classification: Pathogenic for Inborn genetic diseases. Last evaluated: 2025-02-03. Review status: criteria provided, single submitter. Criteria: Ambry Variant Classification Scheme 2023. Collection method: clinical testing. Allele origin: germline.
Comment: The c.3145C>T (p.R1049*) alteration, located in exon 25 (coding exon 23) of the CC2D2A gene, consists of a C to T substitution at nucleotide position 3145. This changes the amino acid from a arginine (R) to a stop codon at amino acid position 1049. This alteration is expected to result in loss of function by premature protein truncation or nonsense-mediated mRNA decay. Based on data from gnomAD, the T allele has an overall frequency of 0.002% (5/245318) total alleles studied. The highest observed frequency was 0.015% (5/34160) of Latino alleles. This variant has been identified in the homozygous state and in conjunction with another CC2D2A variant in individuals with features consistent with CC2D2A-related ciliopathy (Mougou-Zerelli, 2009; Doherty, 2010; Fleming, 2017). Based on the available evidence, this alteration is classified as pathogenic.

Myriad Genetics, Inc.
Classification: Pathogenic for Joubert syndrome and related disorders. Last evaluated: 2024-04-23. Review status: criteria provided, single submitter. Criteria: Myriad Autosomal Dominant, Autosomal Recessive and X-Linked Classification Criteria (2023). Collection method: clinical testing. Allele origin: unknown.
Comment: NM_001080522.2(CC2D2A):c.3145C>T(R1049*) is expected to be pathogenic in the context of CC2D2A-related disorders. This variant is predicted to lead to an abnormal or absent protein product due to the creation of a premature termination codon in CC2D2A, a gene where loss-of-function variants are known to be pathogenic. Please note: this variant was assessed in the context of healthy population screening.

Fulgent Genetics
Classification: Pathogenic for Meckel syndrome, type 6; Joubert syndrome 9; COACH syndrome 2; Retinitis pigmentosa 93. Last evaluated: 2024-02-28. Review status: criteria provided, single submitter. Criteria: ACMG Guidelines, 2015. Collection method: clinical testing. Allele origin: germline.

GeneDx
Classification: Pathogenic. Last evaluated: 2023-01-04. Review status: criteria provided, single submitter. Criteria: GeneDx Variant Classification Process June 2021. Collection method: clinical testing. Allele origin: germline. Affected: yes.
Comment: Nonsense variant predicted to result in protein truncation or nonsense mediated decay in a gene for which loss of function is a known mechanism of disease; Truncating variants in this gene are considered pathogenic by a well-established clinical consortium and/or database; Not observed at significant frequency in large population cohorts (gnomAD); This variant is associated with the following publications: (PMID: 22246503, 29146704, 31589614, 25525159, 33486889, 36319078, 19777577, 19574260)

Blueprint Genetics
Classification: Pathogenic for CC2D2A-related disorders. Last evaluated: 2022-06-09. Review status: criteria provided, single submitter. Criteria: ACMG Guidelines, 2015. Collection method: clinical testing. Allele origin: germline. Affected: yes. Observed: 3 variant alleles.

Revvity Omics, Revvity
Classification: Pathogenic. Last evaluated: 2021-04-16. Review status: criteria provided, single submitter. Criteria: ACMG Guidelines, 2015. Collection method: clinical testing. Allele origin: germline.

Laboratorio de Genetica e Diagnostico Molecular, Hospital Israelita Albert Einstein
Classification: Pathogenic. Last evaluated: 2020-01-23. Review status: criteria provided, single submitter. Criteria: ACMG Guidelines, 2015. Collection method: clinical testing. Allele origin: germline. Affected: yes.
Comment: ACMG classification criteria: PVS1, PS4, PM2, PM3

Juno Genomics, Hangzhou Juno Genomics, Inc
Classification: Pathogenic for COACH syndrome 2; Joubert syndrome 9; Meckel syndrome, type 6. Review status: criteria provided, single submitter. Criteria: ACMG Guidelines, 2015. Collection method: clinical testing. Allele origin: germline. Affected: yes.
Comment: Null variant in a gene where loss of function (LOF) is a known mechanism of disease.;Absent from controls (or at extremely low frequency if recessive) in Genome Aggregation Database, Exome Sequencing Project, 1000 Genomes Project, or Exome Aggregation Consortium.;For recessive disorders, detected in trans with a pathogenic variant.

OMIM
Classification: Pathogenic for COACH SYNDROME 2. Last evaluated: 2012-01-15. Review status: no assertion criteria provided. Collection method: literature only. Allele origin: germline. Not counted in ClinVar's aggregate classification.

OMIM
Classification: Pathogenic for JOUBERT SYNDROME 9/15, DIGENIC. Last evaluated: 2012-01-15. Review status: no assertion criteria provided. Collection method: literature only. Allele origin: germline. Not counted in ClinVar's aggregate classification.

Literature cited by the submitters: PubMed 19777577 (cited by 3 submitters); PubMed 19574260 (cited by 3 submitters); PubMed 29146704 (cited by Ambry Genetics); PubMed 22246503 (cited by OMIM).

NM_001378615.1(CC2D2A):c.3145C>T (p.Arg1049Ter)

Genes: CC2D2A (coiled-coil and C2 domain containing 2A; plus strand), FBXL5 (F-box and leucine rich repeat protein 5; minus strand). Cytogenetic location: 4p15.32.
Variant type: single nucleotide variant.
Coding change: c.3145C>T on transcript NM_001378615.1 (MANE Select); coding-DNA position 3145, C replaced by T.
Protein change: p.Arg1049Ter; replaces arginine 1049 with a stop codon.
Molecular consequence: nonsense.
Genome position (GRCh38, 1-based): chr4:15,563,485, C>T. VCF-style: chr4-15563485-C-T. GRCh37 (hg19) VCF-style: chr4-15565108-C-T.
Other names: c.3145C>T, p.Arg1049Ter (NM_001080522.2); c.2998C>T, p.Arg1000Ter (NM_001378617.1); short protein forms R1049*, R1000*.
Identifiers: ClinVar variation 747 (VCV000000747.27), dbSNP rs386833750, ClinGen allele CA129544.